The following is an entry in ClinVar:

NM_023036.6(DNAI2):c.922A>G (p.Ile308Val)

Gene: DNAI2 (dynein axonemal intermediate chain 2; plus strand). Cytogenetic location: 17q25.1.
Variant type: single nucleotide variant.
Coding change: c.922A>G on transcript NM_023036.6 (MANE Select); coding-DNA position 922, A replaced by G.
Protein change: p.Ile308Val; replaces isoleucine 308 with valine.
Molecular consequence: missense variant. On other transcripts: non-coding transcript variant (1).
Genome position (GRCh38, 1-based): chr17:74,301,103, A>G. VCF-style: chr17-74301103-A-G. GRCh37 (hg19) VCF-style: chr17-72297242-A-G.
Other names: c.922A>G, p.Ile308Val (NM_001172810.3, NM_001353167.2); short protein forms I308V.
Identifiers: ClinVar variation 1506454 (VCV001506454.5), dbSNP rs374277039, ClinGen allele CA293857393.

ClinVar aggregate classification (germline): Uncertain significance (1 of 4 stars; one submission).

Conditions:
Primary ciliary dyskinesia. Also called: Ciliary dyskinesia. Identifiers: Orphanet 244, MedGen C0008780, MONDO:0016575, HP:0012265.

Allele frequency attached by ClinVar (database versions not stated): gnomAD exomes below 0.00001 and 0.00002; gnomAD 0.00002; TOPMed 0.00002; ESP Exome Variant Server 0.00008.
gnomAD v4.1: 27 of 1,614,008 alleles (0.0017%); highest among the groups gnomAD compares: African/African-American, 0.004%; no homozygotes.

Submission:

Labcorp Genetics (formerly Invitae), Labcorp
Classification: Uncertain significance for Primary ciliary dyskinesia. Last evaluated: 2021-09-24. Review status: criteria provided, single submitter. Criteria: Invitae Variant Classification Sherloc (09022015). Collection method: clinical testing. Allele origin: germline.
Comment: This sequence change replaces isoleucine with valine at codon 308 of the DNAI2 protein (p.Ile308Val). The isoleucine residue is moderately conserved and there is a small physicochemical difference between isoleucine and valine. This variant is not present in population databases (ExAC no frequency). This variant has not been reported in the literature in individuals with DNAI2-related conditions. Algorithms developed to predict the effect of missense changes on protein structure and function (SIFT, PolyPhen-2, Align-GVGD) all suggest that this variant is likely to be tolerated, but these predictions have not been confirmed by published functional studies and their clinical significance is uncertain. In summary, the available evidence is currently insufficient to determine the role of this variant in disease. Therefore, it has been classified as a Variant of Uncertain Significance.